The following is an entry in ClinVar:

ClinVar aggregate classification (germline): Uncertain significance. Review status: criteria provided, multiple submitters, no conflicts (2 of 4 stars). 2 submissions from 2 submitters: Uncertain significance (2). Last evaluated 2026-06-11.

Conditions:
PLXNA2-related disorder. Also called: PLXNA2-related condition.

Allele frequency attached by ClinVar (database versions not stated): gnomAD exomes 0.00002; ExAC 0.00003; gnomAD 0.00013; TOPMed 0.00014; ESP Exome Variant Server 0.00015; 1000 Genomes Project 30x 0.00016; 1000 Genomes Project 0.00020.

Submissions (2):

PreventionGenetics, part of Exact Sciences
Classification: Uncertain significance for PLXNA2-related condition. Last evaluated: 2026-06-11. Review status: criteria provided, single submitter. Criteria: ACMG Guidelines, 2015. Collection method: clinical testing. Allele origin: germline.
Comment: The PLXNA2 c.3637A>G variant is predicted to result in the amino acid substitution p.Met1213Val. To our knowledge, this variant has not been reported in the literature. This variant is reported in 0.056% of alleles in individuals of African descent in gnomAD. Although we suspect that this variant may be benign, at this time, the clinical significance of this variant is uncertain due to the absence of conclusive functional and genetic evidence.

Ambry Genetics
Classification: Uncertain significance. Last evaluated: 2025-04-15. Review status: criteria provided, single submitter. Criteria: Ambry Variant Classification Scheme 2023. Collection method: clinical testing. Allele origin: germline.

NM_025179.4(PLXNA2):c.3637A>G (p.Met1213Val)

Gene: PLXNA2 (plexin A2; minus strand). Cytogenetic location: 1q32.2.
Variant type: single nucleotide variant.
Coding change: c.3637A>G on transcript NM_025179.4 (MANE Select); coding-DNA position 3637, A replaced by G.
Protein change: p.Met1213Val; replaces methionine 1213 with valine.
Molecular consequence: missense variant.
Genome position (GRCh38, 1-based): chr1:208,045,069, T>C on the plus strand (A>G on the coding strand, the complement: PLXNA2 is on the minus strand). VCF-style: chr1-208045069-T-C. GRCh37 (hg19) VCF-style: chr1-208218414-T-C.
Other names: short protein forms M1213V.
Identifiers: ClinVar variation 2634651 (VCV002634651.5), dbSNP rs142056909, ClinGen allele CA1373137.